The following is an entry in ClinVar:

NM_000535.7(PMS2):c.1201G>T (p.Asp401Tyr)

Gene: PMS2 (PMS1 homolog 2, mismatch repair system component; minus strand). Cytogenetic location: 7p22.1.
Variant type: single nucleotide variant.
Coding change: c.1201G>T on transcript NM_000535.7 (MANE Select); coding-DNA position 1201, G replaced by T.
Protein change: p.Asp401Tyr; replaces aspartic acid 401 with tyrosine.
Molecular consequence: missense variant. On other transcripts: non-coding transcript variant (1).
Genome position (GRCh38, 1-based): chr7:5,987,564, C>A on the plus strand (G>T on the coding strand, the complement: PMS2 is on the minus strand). VCF-style: chr7-5987564-C-A. GRCh37 (hg19) VCF-style: chr7-6027195-C-A.
Other names: c.796G>T, p.Asp266Tyr (NM_001322003.2, NM_001322004.2, NM_001322005.2 and 1 more transcripts); c.1045G>T, p.Asp349Tyr (NM_001322006.2); c.883G>T, p.Asp295Tyr (NM_001322007.2, NM_001322008.2); c.640G>T, p.Asp214Tyr (NM_001322010.2); c.268G>T, p.Asp90Tyr (NM_001322011.2, NM_001322012.2); c.628G>T, p.Asp210Tyr (NM_001322013.2); c.1201G>T, p.Asp401Tyr (NM_001322014.2); c.892G>T, p.Asp298Tyr (NM_001322015.2); and 1 more; short protein forms D210Y, D266Y, D349Y, D298Y, D90Y, D214Y, D295Y, D401Y.
Identifiers: ClinVar variation 1037509 (VCV001037509.9), dbSNP rs1284362486, ClinGen allele CA366742577.

ClinVar aggregate classification (germline): Uncertain significance. Review status: criteria provided, multiple submitters, no conflicts (2 of 4 stars). 2 submissions from 2 submitters: Uncertain significance (2). Last evaluated 2025-07-20.

Conditions:
Hereditary nonpolyposis colorectal neoplasms. Identifiers: MedGen C0009405, MeSH D003123.
Hereditary cancer-predisposing syndrome. Also called: Neoplastic Syndromes, Hereditary; Hereditary Cancer Syndrome; Tumor predisposition; Hereditary neoplastic syndrome. Identifiers: Orphanet 140162, MedGen C0027672, MeSH D009386, MONDO:0015356.

Submissions (2):

Ambry Genetics
Classification: Uncertain significance for Hereditary cancer-predisposing syndrome. Last evaluated: 2025-07-20. Review status: criteria provided, single submitter. Criteria: Ambry Variant Classification Scheme 2023. Collection method: clinical testing. Allele origin: germline.
Comment: The p.D401Y variant (also known as c.1201G>T), located in coding exon 11 of the PMS2 gene, results from a G to T substitution at nucleotide position 1201. The aspartic acid at codon 401 is replaced by tyrosine, an amino acid with highly dissimilar properties. This amino acid position is conserved. In addition, this alteration is predicted to be tolerated by in silico analysis. Based on the available evidence, the clinical significance of this variant remains unclear.

Labcorp Genetics (formerly Invitae), Labcorp
Classification: Uncertain significance for Hereditary nonpolyposis colorectal neoplasms. Last evaluated: 2024-11-16. Review status: criteria provided, single submitter. Criteria: Invitae Variant Classification Sherloc (09022015). Collection method: clinical testing. Allele origin: germline.
Comment: This sequence change replaces aspartic acid, which is acidic and polar, with tyrosine, which is neutral and polar, at codon 401 of the PMS2 protein (p.Asp401Tyr). This variant is not present in population databases (gnomAD no frequency). This variant has not been reported in the literature in individuals affected with PMS2-related conditions. ClinVar contains an entry for this variant (Variation ID: 1037509). Invitae Evidence Modeling incorporating data from in vitro experimental studies (internal data) indicates that this missense variant is not expected to disrupt PMS2 function with a negative predictive value of 95%. In summary, the available evidence is currently insufficient to determine the role of this variant in disease. Therefore, it has been classified as a Variant of Uncertain Significance.